The following is an entry in ClinVar:

ClinVar aggregate classification (germline): Likely benign (1 of 4 stars; one submission).

Submission:

CeGaT Center for Human Genetics Tuebingen
Classification: Likely benign. Last evaluated: 2024-10-01. Review status: criteria provided, single submitter. Criteria: CeGaT Center For Human Genetics Tuebingen Variant Classification Criteria Version 2. Collection method: clinical testing. Allele origin: germline. Affected: yes. Observed: 1 variant allele.
Comment: PRKDC: PM2:Supporting, BP4, BP7

NM_006904.7(PRKDC):c.11997C>A (p.Thr3999=)

Gene: PRKDC (protein kinase, DNA-activated, catalytic subunit; minus strand). Cytogenetic location: 8q11.21.
Variant type: single nucleotide variant.
Coding change: c.11997C>A on transcript NM_006904.7 (MANE Select); coding-DNA position 11997, C replaced by A.
Protein change: p.Thr3999=; no amino-acid change (threonine 3999 retained).
Molecular consequence: synonymous variant.
Genome position (GRCh38, 1-based): chr8:47,777,731, G>T on the plus strand (C>A on the coding strand, the complement: PRKDC is on the minus strand). VCF-style: chr8-47777731-G-T. GRCh37 (hg19) VCF-style: chr8-48690292-G-T.
Other names: c.11904C>A, p.Thr3968= (NM_001081640.2).
Identifiers: ClinVar variation 3388872 (VCV003388872.14).